The following is an entry in ClinVar:

NC_000017.10:g.(?_41219619)_(41228637_?)dup

Gene: BRCA1 (BRCA1 DNA repair associated; minus strand). Cytogenetic location: 17q21.31.
Variant type: Duplication.
Identifiers: ClinVar variation 531578 (VCV000531578.1).

ClinVar aggregate classification (germline): Uncertain significance (1 of 4 stars; one submission).

Conditions:
Hereditary breast ovarian cancer syndrome. Also called: Hereditary breast and ovarian cancer syndrome (HBOC); BRCA1- and BRCA2-Associated Hereditary Breast and Ovarian Cancer; Hereditary breast and ovarian cancer syndrome; Breast and ovarian cancer; Hereditary breast and ovarian cancer; Hereditary breast and/or ovarian cancer syndrome. Identifiers: Orphanet 145, MedGen C0677776, MeSH D061325, MONDO:0003582. Disease mechanism: loss of function.

Submission:

Labcorp Genetics (formerly Invitae), Labcorp
Classification: Uncertain significance for Hereditary breast ovarian cancer syndrome. Last evaluated: 2017-08-25. Review status: criteria provided, single submitter. Criteria: Invitae Variant Classification Sherloc (09022015). Collection method: clinical testing. Allele origin: germline.
Comment: This variant is a gross duplication of the genomic region encompassing exons 13-16 of the BRCA1 gene. While the exact position of the duplicated exons cannot be determined from this data, the duplicated copy of this region is likely in tandem and in-frame, therefore preserving the integrity of the reading frame. This variant has not been reported in the literature in individuals with BRCA1-related disease. Experimental studies and prediction algorithms are not available for this variant, and the functional significance of the duplicated amino acids is currently unknown. In summary, the exact genomic location of this variant is unknown and the impact of this duplication on BRCA1 protein function has not been established. Therefore, it has been classified as a Variant of Uncertain Significance.